The following is an entry in ClinVar:

ClinVar aggregate classification (germline): Uncertain significance (1 of 4 stars; one submission).

Conditions:
Immunodeficiency 14 (IMD14A). Also called: ACTIVATED PI3K-DELTA SYNDROME 1; Activated PI3K Delta Syndrome Type 1 (APDS1); p110-DELTA-ACTIVATING MUTATION CAUSING SENESCENT T CELLS, LYMPHADENOPATHY, AND IMMUNODEFICIENCY; IMMUNODEFICIENCY 14A WITH LYMPHOPROLIFERATION, AUTOSOMAL DOMINANT. Identifiers: Orphanet 397596, Orphanet 693661, MedGen C5907821, MONDO:0014222, OMIM 615513.

Submission:

Labcorp Genetics (formerly Invitae), Labcorp
Classification: Uncertain significance for Activated PI3K-delta syndrome. Last evaluated: 2022-11-01. Review status: criteria provided, single submitter. Criteria: Invitae Variant Classification Sherloc (09022015). Collection method: clinical testing. Allele origin: germline.
Comment: Algorithms developed to predict the effect of missense changes on protein structure and function (SIFT, PolyPhen-2, Align-GVGD) all suggest that this variant is likely to be disruptive. ClinVar contains an entry for this variant (Variation ID: 1438615). This variant has not been reported in the literature in individuals affected with PIK3CD-related conditions. This variant is not present in population databases (gnomAD no frequency). This sequence change replaces valine, which is neutral and non-polar, with leucine, which is neutral and non-polar, at codon 343 of the PIK3CD protein (p.Val343Leu). Algorithms developed to predict the effect of sequence changes on RNA splicing suggest that this variant may create or strengthen a splice site. In summary, the available evidence is currently insufficient to determine the role of this variant in disease. Therefore, it has been classified as a Variant of Uncertain Significance.

NM_005026.5(PIK3CD):c.1027G>T (p.Val343Leu)

Genes: PIK3CD (phosphatidylinositol-4,5-bisphosphate 3-kinase catalytic subunit delta; plus strand), LOC126805612 (MED14-independent group 3 enhancer GRCh37_chr1:9778914-9780113; plus strand). Cytogenetic location: 1p36.22.
Variant type: single nucleotide variant.
Coding change: c.1027G>T on transcript NM_005026.5 (MANE Select); coding-DNA position 1027, G replaced by T.
Protein change: p.Val343Leu; replaces valine 343 with leucine.
Molecular consequence: missense variant.
Genome position (GRCh38, 1-based): chr1:9,718,700, G>T. VCF-style: chr1-9718700-G-T. GRCh37 (hg19) VCF-style: chr1-9778758-G-T.
Other names: c.1027G>T, p.Val343Leu (NM_001350234.2); c.940G>T, p.Val314Leu (NM_001350235.1); short protein forms V314L, V343L.
Identifiers: ClinVar variation 1438615 (VCV001438615.6), dbSNP rs2100907022, ClinGen allele CA338301940.